The following is an entry in ClinVar:

NM_001854.4(COL11A1):c.4518+5G>A

Gene: COL11A1 (collagen type XI alpha 1 chain; minus strand). Cytogenetic location: 1p21.1.
Variant type: single nucleotide variant.
Coding change: c.4518+5G>A on transcript NM_001854.4 (MANE Select); 5 bases into the intron after coding-DNA position 4518, G replaced by A.
Molecular consequence: intron variant.
Genome position (GRCh38, 1-based): chr1:102,888,861, C>T on the plus strand (G>A on the coding strand, the complement: COL11A1 is on the minus strand). VCF-style: chr1-102888861-C-T. GRCh37 (hg19) VCF-style: chr1-103354417-C-T.
Other names: c.4401+5G>A (NM_001190709.2); c.4554+5G>A (NM_080629.3); c.4170+5G>A (NM_080630.4).
Identifiers: ClinVar variation 1304444 (VCV001304444.2), dbSNP rs2100853342, ClinGen allele CA2573051322.

ClinVar aggregate classification (germline): Uncertain significance (1 of 4 stars; one submission).

Submission:

GeneDx
Classification: Uncertain significance. Last evaluated: 2019-08-16. Review status: criteria provided, single submitter. Criteria: GeneDx Variant Classification Process June 2021. Collection method: clinical testing. Allele origin: germline. Affected: yes.
Comment: Has not been previously published as pathogenic or benign to our knowledge; In silico analysis predicts this variant destroys the canonical splice donor site in intron 60, which may result in aberrant splicing; if the splice outcome is exon skip, the loss of the encoded residues in the triple helical region is expected to disrupt normal protein folding and function; Other splice site variants in the COL11A1 gene have been reported in the Human Genome Mutation Database in association with Stickler syndrome and other COL11A1-related disorders (Stenson et al., 2014); however, in the absence of RNA/functional studies, the actual effect of this sequence change is unknown; Not observed in large population cohorts (Lek et al., 2016)